The following is an entry in ClinVar:

NM_020778.5(ALPK3):c.3395G>A (p.Ser1132Asn)

Gene: ALPK3 (alpha kinase 3; plus strand). Cytogenetic location: 15q25.3.
Variant type: single nucleotide variant.
Coding change: c.3395G>A on transcript NM_020778.5 (MANE Select); coding-DNA position 3395, G replaced by A.
Protein change: p.Ser1132Asn; replaces serine 1132 with asparagine.
Molecular consequence: missense variant.
Genome position (GRCh38, 1-based): chr15:84,858,133, G>A. VCF-style: chr15-84858133-G-A. GRCh37 (hg19) VCF-style: chr15-85401364-G-A.
Other names: short protein forms S1132N.
Identifiers: ClinVar variation 1412926 (VCV001412926.6), dbSNP rs374108436, ClinGen allele CA7709617.

ClinVar aggregate classification (germline): Uncertain significance (1 of 4 stars; one submission).

Allele frequency attached by ClinVar (database versions not stated): gnomAD exomes below 0.00001; TOPMed below 0.00001; ExAC 0.00001.
gnomAD v4.1: 2 of 1,596,252 alleles (0.00013%); highest among the groups gnomAD compares: African/African-American, 0.0027%; no homozygotes.

Submission:

Labcorp Genetics (formerly Invitae), Labcorp
Classification: Uncertain significance. Last evaluated: 2021-08-27. Review status: criteria provided, single submitter. Criteria: Invitae Variant Classification Sherloc (09022015). Collection method: clinical testing. Allele origin: germline.
Comment: In summary, the available evidence is currently insufficient to determine the role of this variant in disease. Therefore, it has been classified as a Variant of Uncertain Significance. Algorithms developed to predict the effect of missense changes on protein structure and function output the following: SIFT: "Tolerated"; PolyPhen-2: "Benign"; Align-GVGD: "Class C0". The asparagine amino acid residue is found in multiple mammalian species, which suggests that this missense change does not adversely affect protein function. This variant has not been reported in the literature in individuals affected with ALPK3-related conditions. This variant is present in population databases (rs374108436, ExAC 0.01%). This sequence change replaces serine with asparagine at codon 1334 of the ALPK3 protein (p.Ser1334Asn). The serine residue is weakly conserved and there is a small physicochemical difference between serine and asparagine.